The following is an entry in ClinVar:

ClinVar aggregate classification (germline): Uncertain significance (1 of 4 stars; one submission).

Conditions:
Developmental and epileptic encephalopathy, 2 (DEE2). Also called: CDKL5 deficiency disorder; INFANTILE SPASM SYNDROME, X-LINKED 2. Identifiers: Orphanet 1934, Orphanet 3451, Orphanet 505652, MedGen C4750718, MONDO:0010396, OMIM 300672.
Angelman syndrome-like. Identifiers: MedGen CN128785.

Submission:

Labcorp Genetics (formerly Invitae), Labcorp
Classification: Uncertain significance for Developmental and epileptic encephalopathy, 2; Angelman syndrome-like. Last evaluated: 2024-04-29. Review status: criteria provided, single submitter. Criteria: Invitae Variant Classification Sherloc (09022015). Collection method: clinical testing. Allele origin: germline.
Comment: This sequence change replaces serine, which is neutral and polar, with tyrosine, which is neutral and polar, at codon 591 of the CDKL5 protein (p.Ser591Tyr). This variant is not present in population databases (gnomAD no frequency). This variant has not been reported in the literature in individuals affected with CDKL5-related conditions. Advanced modeling of protein sequence and biophysical properties (such as structural, functional, and spatial information, amino acid conservation, physicochemical variation, residue mobility, and thermodynamic stability) performed at Invitae indicates that this missense variant is not expected to disrupt CDKL5 protein function with a negative predictive value of 95%. In summary, the available evidence is currently insufficient to determine the role of this variant in disease. Therefore, it has been classified as a Variant of Uncertain Significance.

NM_001323289.2(CDKL5):c.1772C>A (p.Ser591Tyr)

Gene: CDKL5 (cyclin dependent kinase like 5; plus strand). Cytogenetic location: Xp22.13.
Variant type: single nucleotide variant.
Coding change: c.1772C>A on transcript NM_001323289.2 (MANE Select); coding-DNA position 1772, C replaced by A.
Protein change: p.Ser591Tyr; replaces serine 591 with tyrosine.
Molecular consequence: missense variant.
Genome position (GRCh38, 1-based): chrX:18,604,696, C>A. VCF-style: chrX-18604696-C-A. GRCh37 (hg19) VCF-style: chrX-18622816-C-A.
Other names: c.1772C>A, p.Ser591Tyr (NM_001037343.2, NM_003159.3); short protein forms S591Y.
Identifiers: ClinVar variation 3753777 (VCV003753777.2).